The following is an entry in ClinVar:

NM_002480.3(PPP1R12A):c.635C>T (p.Thr212Met)

Gene: PPP1R12A (protein phosphatase 1 regulatory subunit 12A; minus strand). Cytogenetic location: 12q21.2.
Variant type: single nucleotide variant.
Coding change: c.635C>T on transcript NM_002480.3 (MANE Select); coding-DNA position 635, C replaced by T.
Protein change: p.Thr212Met; replaces threonine 212 with methionine.
Molecular consequence: missense variant.
Genome position (GRCh38, 1-based): chr12:79,832,344, G>A on the plus strand (C>T on the coding strand, the complement: PPP1R12A is on the minus strand). VCF-style: chr12-79832344-G-A. GRCh37 (hg19) VCF-style: chr12-80226124-G-A.
Other names: c.635C>T, p.Thr212Met (NM_001143885.2, NM_001244990.2, NM_001244992.1); c.374C>T, p.Thr125Met (NM_001143886.2); c.635C>T (NM_002480.2); short protein forms T125M, T212M.
Identifiers: ClinVar variation 2715495 (VCV002715495.4), dbSNP rs373090411, ClinGen allele CA6699888.

ClinVar aggregate classification (germline): Uncertain significance. Review status: criteria provided, multiple submitters, no conflicts (2 of 4 stars). 2 submissions from 2 submitters: Uncertain significance (2). Last evaluated 2025-12-09.

Conditions:
Inborn genetic diseases. Identifiers: MedGen C0950123, MeSH D030342.

Allele frequency attached by ClinVar (database versions not stated): TOPMed 0.00003; gnomAD 0.00004; ExAC 0.00008; ESP Exome Variant Server 0.00008.
gnomAD v4.1: 96 of 1,607,840 alleles (0.006%); highest among the groups gnomAD compares: Admixed American, 0.024%; no homozygotes.

Submissions (2):

Ambry Genetics
Classification: Uncertain significance for Inborn genetic diseases. Last evaluated: 2025-12-09. Review status: criteria provided, single submitter. Criteria: Ambry Variant Classification Scheme 2023. Collection method: clinical testing. Allele origin: germline.

Labcorp Genetics (formerly Invitae), Labcorp
Classification: Uncertain significance. Last evaluated: 2024-07-21. Review status: criteria provided, single submitter. Criteria: Invitae Variant Classification Sherloc (09022015). Collection method: clinical testing. Allele origin: germline.
Comment: This sequence change replaces threonine, which is neutral and polar, with methionine, which is neutral and non-polar, at codon 212 of the PPP1R12A protein (p.Thr212Met). This variant is present in population databases (rs373090411, gnomAD 0.04%), and has an allele count higher than expected for a pathogenic variant. This variant has not been reported in the literature in individuals affected with PPP1R12A-related conditions. An algorithm developed to predict the effect of missense changes on protein structure and function (PolyPhen-2) suggests that this variant is likely to be disruptive. In summary, the available evidence is currently insufficient to determine the role of this variant in disease. Therefore, it has been classified as a Variant of Uncertain Significance.